The following is an entry in ClinVar:

NM_181697.3(PRDX1):c.170T>G (p.Ile57Ser)

Gene: PRDX1 (peroxiredoxin 1; minus strand). Cytogenetic location: 1p34.1.
Variant type: single nucleotide variant.
Coding change: c.170T>G on transcript NM_181697.3 (MANE Select); coding-DNA position 170, T replaced by G.
Protein change: p.Ile57Ser; replaces isoleucine 57 with serine.
Molecular consequence: missense variant.
Genome position (GRCh38, 1-based): chr1:45,515,744, A>C on the plus strand (T>G on the coding strand, the complement: PRDX1 is on the minus strand). VCF-style: chr1-45515744-A-C. GRCh37 (hg19) VCF-style: chr1-45981416-A-C.
Other names: c.170T>G, p.Ile57Ser (NM_001202431.2, NM_002574.4, NM_181696.3); short protein forms I57S.
Identifiers: ClinVar variation 3772392 (VCV003772392.13).
Genomic context (GRCh38, chr1:45,515,744, plus strand): 5'-GAAGCACCAATCACTTGGCAGTTGAGTTTCTTAAATTCTTCTGCCCTATCACTGAAAGCA[A>C]TGATCTCCGTGGGGCACACAAAGGTGAAGTCAAGAGGGTAAAAGAAGAACACAACATATT-3'
Protein context (NP_859048.1, residues 47-67): DFTFVCPTEI[Ile57Ser]AFSDRAEEFK

ClinVar aggregate classification (germline): Uncertain significance (1 of 4 stars; one submission).

Submission:

CeGaT Center for Human Genetics Tuebingen
Classification: Uncertain significance. Last evaluated: 2025-02-01. Review status: criteria provided, single submitter. Criteria: CeGaT Center For Human Genetics Tuebingen Variant Classification Criteria Version 2. Collection method: clinical testing. Allele origin: germline. Affected: yes. Observed: 1 variant allele.
Comment: PRDX1: PM2